The following is an entry in ClinVar:

ClinVar aggregate classification (germline): Uncertain significance (1 of 4 stars; one submission).

Submission:

GeneDx
Classification: Uncertain significance. Last evaluated: 2026-02-24. Review status: criteria provided, single submitter. Criteria: GeneDx Variant Classification Process June 2021. Collection method: clinical testing. Allele origin: germline.
Comment: Not observed at significant frequency in large population cohorts (gnomAD); In silico analysis supports that this missense variant has a deleterious effect on protein structure/function; Has not been previously published as pathogenic or benign to our knowledge; This variant is associated with the following publications: (PMID: 27532257, 29300372)

NM_000257.4(MYH7):c.1733C>T (p.Ser578Phe)

Gene: MYH7 (myosin heavy chain 7; minus strand). Cytogenetic location: 14q11.2.
Variant type: single nucleotide variant.
Coding change: c.1733C>T on transcript NM_000257.4 (MANE Select); coding-DNA position 1733, C replaced by T.
Protein change: p.Ser578Phe; replaces serine 578 with phenylalanine.
Molecular consequence: missense variant.
Genome position (GRCh38, 1-based): chr14:23,427,740, G>A on the plus strand (C>T on the coding strand, the complement: MYH7 is on the minus strand). VCF-style: chr14-23427740-G-A. GRCh37 (hg19) VCF-style: chr14-23896949-G-A.
Other names: c.1733C>T, p.Ser578Phe (NM_001407004.1); short protein forms S578F.
Identifiers: ClinVar variation 5009945 (VCV005009945.1).